The following is an entry in ClinVar:

NM_020247.5(COQ8A):c.950A>G (p.Asn317Ser)

Gene: COQ8A (coenzyme Q8A; plus strand). Cytogenetic location: 1q42.13.
Variant type: single nucleotide variant.
Coding change: c.950A>G on transcript NM_020247.5 (MANE Select); coding-DNA position 950, A replaced by G.
Protein change: p.Asn317Ser; replaces asparagine 317 with serine.
Molecular consequence: missense variant.
Genome position (GRCh38, 1-based): chr1:226,982,904, A>G. VCF-style: chr1-226982904-A-G. GRCh37 (hg19) VCF-style: chr1-227170605-A-G.
Other names: short protein forms N317S.
Identifiers: ClinVar variation 1356742 (VCV001356742.6), dbSNP rs759826134, ClinGen allele CA345052460.
Genomic context (GRCh38, chr1:226,982,904, plus strand): 5'-GTGGCCCAGGCAGGGCATGCTCAGAGCCCCTCCCTGGCCCTGCCCTTCAGAAAACTCTCA[A>G]CAACGACCTGGGCCCCAACTGGCGGGACAAGTTGGAATACTTCGAGGAGCGGCCCTTCGC-3'
Protein context (NP_064632.2, residues 307-327): MPLKQMMKTL[Asn317Ser]NDLGPNWRDK

ClinVar aggregate classification (germline): Uncertain significance (1 of 4 stars; one submission).

Submission:

Labcorp Genetics (formerly Invitae), Labcorp
Classification: Uncertain significance. Last evaluated: 2021-11-01. Review status: criteria provided, single submitter. Criteria: Invitae Variant Classification Sherloc (09022015). Collection method: clinical testing. Allele origin: germline.
Comment: This sequence change replaces asparagine, which is neutral and polar, with serine, which is neutral and polar, at codon 317 of the COQ8A protein (p.Asn317Ser). In summary, the available evidence is currently insufficient to determine the role of this variant in disease. Therefore, it has been classified as a Variant of Uncertain Significance. Advanced modeling of protein sequence and biophysical properties (such as structural, functional, and spatial information, amino acid conservation, physicochemical variation, residue mobility, and thermodynamic stability) performed at Invitae indicates that this missense variant is not expected to disrupt COQ8A protein function. This variant has not been reported in the literature in individuals affected with COQ8A-related conditions. This variant is not present in population databases (gnomAD no frequency).